The following is an entry in ClinVar:

ClinVar aggregate classification (germline): Uncertain significance (1 of 4 stars; one submission).

Conditions:
Joubert syndrome 18 (JBTS18). Identifiers: Orphanet 2754, MedGen C3553758, MONDO:0013896, OMIM 614815.
Orofacial-digital syndrome IV (OFD4). Also called: BARAITSER-BURN SYNDROME; OFD SYNDROME WITH TIBIAL DEFECTS; OFD SYNDROME, BARAITSER-BURN TYPE; OFDS IV; ORAL-FACIAL-DIGITAL SYNDROME, TYPE IV; MOHR-MAJEWSKI SYNDROME. Identifiers: Orphanet 2753, MedGen C0406727, MONDO:0009794, OMIM 258860.

gnomAD v4.1: 3 of 1,551,504 alleles (0.00019%); highest among the groups gnomAD compares: East Asian, 0.0024%; no homozygotes.

Submission:

Labcorp Genetics (formerly Invitae), Labcorp
Classification: Uncertain significance for Joubert syndrome 18; Orofacial-digital syndrome IV. Last evaluated: 2025-10-01. Review status: criteria provided, single submitter. Criteria: Invitae Variant Classification Sherloc (09022015). Collection method: clinical testing. Allele origin: germline.
Comment: This sequence change replaces arginine, which is basic and polar, with glycine, which is neutral and non-polar, at codon 2 of the TCTN3 protein (p.Arg2Gly). This variant is present in population databases (no rsID available, gnomAD 0.004%). This variant has not been reported in the literature in individuals affected with TCTN3-related conditions. An algorithm developed to predict the effect of missense changes on protein structure and function (PolyPhen-2) suggests that this variant is likely to be tolerated. In summary, the available evidence is currently insufficient to determine the role of this variant in disease. Therefore, it has been classified as a Variant of Uncertain Significance.

NM_015631.6(TCTN3):c.4C>G (p.Arg2Gly)

Genes: TCTN3 (tectonic family member 3; minus strand), LOC130004408 (ATAC-STARR-seq lymphoblastoid active region 3801; plus strand). Cytogenetic location: 10q24.1.
Variant type: single nucleotide variant.
Coding change: c.4C>G on transcript NM_015631.6 (MANE Select); coding-DNA position 4, C replaced by G.
Protein change: p.Arg2Gly; replaces arginine 2 with glycine.
Molecular consequence: missense variant.
Genome position (GRCh38, 1-based): chr10:95,693,896, G>C on the plus strand (C>G on the coding strand, the complement: TCTN3 is on the minus strand). VCF-style: chr10-95693896-G-C. GRCh37 (hg19) VCF-style: chr10-97453653-G-C.
Other names: c.4C>G, p.Arg2Gly (NM_001143973.2, NM_001410982.1); short protein forms R2G.
Identifiers: ClinVar variation 4792568 (VCV004792568.1).